The following is an entry in ClinVar:

ClinVar aggregate classification (germline): Uncertain significance. Review status: criteria provided, multiple submitters, no conflicts (2 of 4 stars). 3 submissions from 3 submitters: Uncertain significance (3). Last evaluated 2025-04-01.

Conditions:
Inborn genetic diseases. Identifiers: MedGen C0950123, MeSH D030342.

Allele frequency attached by ClinVar (database versions not stated): gnomAD 0.00006 and 0.00005; gnomAD exomes 0.00026 and 0.00004; ExAC 0.00005; TOPMed 0.00006; ESP Exome Variant Server 0.00008.
gnomAD v4.1: 381 of 1,614,086 alleles (0.024%); highest among the groups gnomAD compares: Non-Finnish European, 0.032%; no homozygotes.

Submissions (3):

Ambry Genetics
Classification: Uncertain significance for Inborn genetic diseases. Last evaluated: 2025-04-01. Review status: criteria provided, single submitter. Criteria: Ambry Variant Classification Scheme 2023. Collection method: clinical testing. Allele origin: germline.

GeneDx
Classification: Uncertain significance. Last evaluated: 2023-04-03. Review status: criteria provided, single submitter. Criteria: GeneDx Variant Classification Process June 2021. Collection method: clinical testing. Allele origin: germline. Affected: yes.
Comment: In silico analysis supports that this missense variant does not alter protein structure/function; Has not been previously published as pathogenic or benign to our knowledge

Labcorp Genetics (formerly Invitae), Labcorp
Classification: Uncertain significance. Last evaluated: 2022-09-27. Review status: criteria provided, single submitter. Criteria: Invitae Variant Classification Sherloc (09022015). Collection method: clinical testing. Allele origin: germline.
Comment: This sequence change replaces leucine, which is neutral and non-polar, with phenylalanine, which is neutral and non-polar, at codon 1299 of the ERCC6 protein (p.Leu1299Phe). This variant is present in population databases (rs200516416, gnomAD 0.009%). This variant has not been reported in the literature in individuals affected with ERCC6-related conditions. ClinVar contains an entry for this variant (Variation ID: 1448120). Advanced modeling of protein sequence and biophysical properties (such as structural, functional, and spatial information, amino acid conservation, physicochemical variation, residue mobility, and thermodynamic stability) performed at Invitae indicates that this missense variant is not expected to disrupt ERCC6 protein function. In summary, the available evidence is currently insufficient to determine the role of this variant in disease. Therefore, it has been classified as a Variant of Uncertain Significance.

NM_000124.4(ERCC6):c.3895C>T (p.Leu1299Phe)

Gene: ERCC6 (ERCC excision repair 6, chromatin remodeling factor; minus strand). Cytogenetic location: 10q11.23.
Variant type: single nucleotide variant.
Coding change: c.3895C>T on transcript NM_000124.4 (MANE Select); coding-DNA position 3895, C replaced by T.
Protein change: p.Leu1299Phe; replaces leucine 1299 with phenylalanine.
Molecular consequence: missense variant.
Genome position (GRCh38, 1-based): chr10:49,461,440, G>A on the plus strand (C>T on the coding strand, the complement: ERCC6 is on the minus strand). VCF-style: chr10-49461440-G-A. GRCh37 (hg19) VCF-style: chr10-50669486-G-A.
Other names: c.3895C>T, p.Leu1299Phe (NM_001346440.2); c.3895C>T (NM_000124.2); short protein forms L1299F.
Identifiers: ClinVar variation 1448120 (VCV001448120.4), dbSNP rs200516416, ClinGen allele CA5495240.